The following is an entry in ClinVar:

NM_024426.6(WT1):c.888-1G>A

Gene: WT1 (WT1 transcription factor; minus strand). Cytogenetic location: 11p13.
Variant type: single nucleotide variant.
Coding change: c.888-1G>A on transcript NM_024426.6 (MANE Select); the canonical splice acceptor site of the intron before coding-DNA position 888, G replaced by A.
Molecular consequence: splice acceptor variant.
Genome position (GRCh38, 1-based): chr11:32,417,655, C>T on the plus strand (G>A on the coding strand, the complement: WT1 is on the minus strand). VCF-style: chr11-32417655-C-T. GRCh37 (hg19) VCF-style: chr11-32439201-C-T.
Other names: c.765-1G>A (NM_001407050.1, NM_001407047.1); c.888-1G>A (NM_001407048.1, NM_001407049.1, NM_000378.6 and 4 more transcripts); c.126-1G>A (NM_001407051.1); c.237-1G>A (NM_001198552.2, NM_001198551.2); c.873-1G>A (NM_024426.4).
Identifiers: ClinVar variation 1896100 (VCV001896100.6), dbSNP rs2133037828, ClinGen allele CA379962237.

ClinVar aggregate classification (germline): Uncertain significance. Review status: criteria provided, multiple submitters, no conflicts (2 of 4 stars). 2 submissions from 2 submitters: Uncertain significance (2). Last evaluated 2025-05-21.

Conditions:
Inborn genetic diseases. Identifiers: MedGen C0950123, MeSH D030342.
Wilms tumor 1 (WT1). Also called: Wilms tumor, somatic. Identifiers: Orphanet 654, MedGen CN033288, MONDO:0008679, OMIM 194070.
Frasier syndrome. Identifiers: Orphanet 347, MedGen C0950122, MeSH D052159, MONDO:0007635, OMIM 136680.
11p partial monosomy syndrome (WAGR). Also called: CHROMOSOME 11p13 DELETION SYNDROME; WAGR syndrome; WAGR Complex; WAGR Spectrum Disorder. Identifiers: Orphanet 893, MedGen C0206115, MONDO:0008681, OMIM 194072.
Drash syndrome (DDS). Also called: WILMS TUMOR AND PSEUDO- OR TRUE HERMAPHRODITISM; NEPHROPATHY, WILMS TUMOR, AND GENITAL ANOMALIES. Identifiers: Orphanet 220, MedGen C0950121, MONDO:0008682, OMIM 194080.

Submissions (2):

Ambry Genetics
Classification: Uncertain significance for Inborn genetic diseases. Last evaluated: 2025-05-21. Review status: criteria provided, single submitter. Criteria: Ambry Variant Classification Scheme 2023. Collection method: clinical testing. Allele origin: germline.
Comment: The c.873-1G>A intronic variant results from a G to A substitution one nucleotide upstream from coding exon 4 of the WT1 gene. Alterations that disrupt the canonical splice site are expected to result in aberrant splicing. In silico splice site analysis predicts that this alteration will weaken the native splice acceptor site. A resulting transcript is predicted to be in-frame and is not expected to trigger nonsense-mediated mRNA decay; although, direct evidence is unavailable. This nucleotide position is highly conserved in available vertebrate species. Based on the available evidence, the clinical significance of this variant remains unclear.

Labcorp Genetics (formerly Invitae), Labcorp
Classification: Uncertain significance for Wilms tumor 1; Drash syndrome; 11p partial monosomy syndrome; Frasier syndrome. Last evaluated: 2022-10-13. Review status: criteria provided, single submitter. Criteria: Invitae Variant Classification Sherloc (09022015). Collection method: clinical testing. Allele origin: germline.
Comment: In summary, the available evidence is currently insufficient to determine the role of this variant in disease. Therefore, it has been classified as a Variant of Uncertain Significance. Algorithms developed to predict the effect of sequence changes on RNA splicing suggest that this variant may disrupt the consensus splice site. This variant has not been reported in the literature in individuals affected with WT1-related conditions. This variant is not present in population databases (gnomAD no frequency). This sequence change affects an acceptor splice site in intron 3 of the WT1 gene. It is expected to disrupt RNA splicing. Variants that disrupt the donor or acceptor splice site typically lead to a loss of protein function (PMID: 16199547), and loss-of-function variants in WT1 are known to be pathogenic (PMID: 15150775). However, a predicted in-frame cryptic splice acceptor could potentially result in the inclusion of 5 amino acid residue(s) preserving the integrity of the reading-frame.

Literature cited by the submitters: PubMed 16199547 (cited by Labcorp Genetics (formerly Invitae), Labcorp); PubMed 15150775 (cited by Labcorp Genetics (formerly Invitae), Labcorp).